The following is an entry in ClinVar:

ClinVar aggregate classification (germline): Uncertain significance. Review status: criteria provided, multiple submitters, no conflicts (2 of 4 stars). 2 submissions from 2 submitters: Uncertain significance (2). Last evaluated 2025-11-18.

Conditions:
Pulmonary hypertension, primary, 4. Identifiers: Orphanet 422, MedGen C3809198, MONDO:0014136, OMIM 615344.

Allele frequency attached by ClinVar (database versions not stated): gnomAD 0.00001; TOPMed 0.00001.

Submissions (2):

Labcorp Genetics (formerly Invitae), Labcorp
Classification: Uncertain significance for Pulmonary hypertension, primary, 4. Last evaluated: 2025-11-18. Review status: criteria provided, single submitter. Criteria: Invitae Variant Classification Sherloc (09022015). Collection method: clinical testing. Allele origin: germline.
Comment: This sequence change replaces serine, which is neutral and polar, with arginine, which is basic and polar, at codon 278 of the KCNK3 protein (p.Ser278Arg). This variant is not present in population databases (gnomAD no frequency). This variant has not been reported in the literature in individuals affected with KCNK3-related conditions. ClinVar contains an entry for this variant (Variation ID: 580390). Invitae Evidence Modeling of protein sequence and biophysical properties (such as structural, functional, and spatial information, amino acid conservation, physicochemical variation, residue mobility, and thermodynamic stability) indicates that this missense variant is not expected to disrupt KCNK3 protein function with a negative predictive value of 80%. In summary, the available evidence is currently insufficient to determine the role of this variant in disease. Therefore, it has been classified as a Variant of Uncertain Significance.

Fulgent Genetics
Classification: Uncertain significance for Pulmonary hypertension, primary, 4. Last evaluated: 2022-02-03. Review status: criteria provided, single submitter. Criteria: ACMG Guidelines, 2015. Collection method: clinical testing. Allele origin: unknown.

NM_002246.3(KCNK3):c.834C>A (p.Ser278Arg)

Gene: KCNK3 (potassium two pore domain channel subfamily K member 3; plus strand). Cytogenetic location: 2p23.3.
Variant type: single nucleotide variant.
Coding change: c.834C>A on transcript NM_002246.3 (MANE Select); coding-DNA position 834, C replaced by A.
Protein change: p.Ser278Arg; replaces serine 278 with arginine.
Molecular consequence: missense variant.
Genome position (GRCh38, 1-based): chr2:26,728,217, C>A. VCF-style: chr2-26728217-C-A. GRCh37 (hg19) VCF-style: chr2-26951085-C-A.
Other names: short protein forms S278R.
Identifiers: ClinVar variation 580390 (VCV000580390.9), dbSNP rs750738078, ClinGen allele CA44398253.
Genomic context (GRCh38, chr2:26,728,217, plus strand): 5'-CGAGCACCGCGCGCTGCTCACGCGCAACGGGCAGGCGGGCGGCGGCGGAGGGGGTGGCAG[C>A]GCGCACACTACGGACACCGCCTCATCCACGGCGGCAGCGGGCGGCGGCGGCTTCCGCAAC-3'
Protein context (NP_002237.1, residues 268-288): GQAGGGGGGG[Ser278Arg]AHTTDTASST